The following is an entry in ClinVar:

ClinVar aggregate classification (germline): Pathogenic (1 of 4 stars; one submission).

Conditions:
Dilated cardiomyopathy 1KK (CMD1KK). Identifiers: Orphanet 154, Orphanet 75249, MedGen C3714995, MONDO:0014100, OMIM 615248.

Submission:

Labcorp Genetics (formerly Invitae), Labcorp
Classification: Pathogenic for Dilated cardiomyopathy 1KK. Last evaluated: 2022-07-15. Review status: criteria provided, single submitter. Criteria: Invitae Variant Classification Sherloc (09022015). Collection method: clinical testing. Allele origin: germline.
Comment: For these reasons, this variant has been classified as Pathogenic. This variant has not been reported in the literature in individuals affected with MYPN-related conditions. This variant is not present in population databases (gnomAD no frequency). This sequence change creates a premature translational stop signal (p.Thr1137Asnfs*9) in the MYPN gene. It is expected to result in an absent or disrupted protein product. Loss-of-function variants in MYPN are known to be pathogenic (PMID: 28017374).

Literature cited by the submitters: PubMed 28017374.

NM_032578.4(MYPN):c.3409dup (p.Thr1137fs)

Gene: MYPN (myopalladin; plus strand). Cytogenetic location: 10q21.3.
Variant type: Duplication.
Coding change: c.3409dup on transcript NM_032578.4 (MANE Select); coding-DNA position 3409, one base duplicated (A; older notation c.3409dupA).
Protein change: p.Thr1137fs; shifts the reading frame from threonine 1137.
Molecular consequence: frameshift variant. On other transcripts: non-coding transcript variant (2).
Genome position (GRCh38, 1-based): chr10:68,199,491, A duplicated. VCF-style (leftmost placement, unchanged base first): chr10-68199490-C-CA. GRCh37 (hg19) VCF-style: chr10-69959247-C-CA.
Other names: c.3409dup, p.Thr1137fs (NM_001256267.2); c.2527dup, p.Thr843fs (NM_001256268.2); short protein forms T843fs, T1137fs.
Identifiers: ClinVar variation 2112550 (VCV002112550.4), dbSNP rs2495966840, ClinGen allele CA2580081722.